The following is an entry in ClinVar:

NM_001379291.1(BRD4):c.1752-4G>A

Gene: BRD4 (bromodomain containing 4; minus strand). Cytogenetic location: 19p13.12.
Variant type: single nucleotide variant.
Coding change: c.1752-4G>A on transcript NM_001379291.1 (MANE Select); 4 bases into the intron before coding-DNA position 1752, G replaced by A.
Molecular consequence: intron variant.
Genome position (GRCh38, 1-based): chr19:15,255,596, C>T on the plus strand (G>A on the coding strand, the complement: BRD4 is on the minus strand). VCF-style: chr19-15255596-C-T. GRCh37 (hg19) VCF-style: chr19-15366407-C-T.
Other names: c.1752-4G>A (NM_058243.3, NM_001379292.1, NM_014299.3 and 1 more transcripts).
Identifiers: ClinVar variation 2181031 (VCV002181031.27), dbSNP rs200162234, ClinGen allele CA9265271.

ClinVar aggregate classification (germline): Likely benign. Review status: criteria provided, multiple submitters, no conflicts (2 of 4 stars). 2 submissions from 2 submitters: Likely benign (2). Last evaluated 2026-03-01.

Allele frequency attached by ClinVar (database versions not stated): gnomAD 0.00005; gnomAD exomes 0.00006; TOPMed 0.00006; ExAC 0.00009.
gnomAD v4.1: 88 of 1,598,882 alleles (0.0055%); highest among the groups gnomAD compares: Admixed American, 0.01%; no homozygotes.

Submissions (2):

CeGaT Center for Human Genetics Tuebingen
Classification: Likely benign. Last evaluated: 2026-03-01. Review status: criteria provided, single submitter. Criteria: CeGaT Center For Human Genetics Tuebingen Variant Classification Criteria Version 2. Collection method: clinical testing. Allele origin: germline. Affected: yes. Observed: 2 variant alleles.
Comment: BRD4: BP4

Labcorp Genetics (formerly Invitae), Labcorp
Classification: Likely benign. Last evaluated: 2025-07-30. Review status: criteria provided, single submitter. Criteria: Invitae Variant Classification Sherloc (09022015). Collection method: clinical testing. Allele origin: germline.